The following is an entry in ClinVar:

NM_021964.3(ZNF148):c.1251T>G (p.Tyr417Ter)

Gene: ZNF148 (zinc finger protein 148; minus strand). Cytogenetic location: 3q21.2.
Variant type: single nucleotide variant.
Coding change: c.1251T>G on transcript NM_021964.3 (MANE Select); coding-DNA position 1251, T replaced by G.
Protein change: p.Tyr417Ter; replaces tyrosine 417 with a stop codon.
Molecular consequence: nonsense.
Genome position (GRCh38, 1-based): chr3:125,233,475, A>C on the plus strand (T>G on the coding strand, the complement: ZNF148 is on the minus strand). VCF-style: chr3-125233475-A-C. GRCh37 (hg19) VCF-style: chr3-124952319-A-C.
Other names: c.1251T>G, p.Tyr417Ter (NM_001348424.1, NM_001348425.2, NM_001348426.2 and 7 more transcripts); c.1125T>G, p.Tyr375Ter (NM_001348434.2); short protein forms Y375*, Y417*.
Identifiers: ClinVar variation 4635147 (VCV004635147.1).

ClinVar aggregate classification (germline): Likely pathogenic (1 of 4 stars; one submission).

Conditions:
Inborn genetic diseases. Identifiers: MedGen C0950123, MeSH D030342.

Submission:

Ambry Genetics
Classification: Likely pathogenic for Inborn genetic diseases. Last evaluated: 2025-10-22. Review status: criteria provided, single submitter. Criteria: Ambry Variant Classification Scheme 2023. Collection method: clinical testing. Allele origin: germline.
Comment: The c.1251T>G (p.Y417*) alteration, located in exon 9 (coding exon 6) of the ZNF148 gene, consists of a T to G substitution at nucleotide position 1251. This changes the amino acid from a tyrosine (Y) to a stop codon at amino acid position 417. This alteration occurs at the 3' terminus of the ZNF148 gene and is not expected to trigger nonsense-mediated mRNA decay. This variant was not reported in population-based cohorts in the Genome Aggregation Database (gnomAD). This variant is located in a region of the protein where truncating variants that escape nonsense mediated mRNA decay have been reported as disease-causing for ZNF148-related neurodevelopmental disorder (Stevens, 2016; Ambry internal data). Based on the available evidence, this alteration is classified as likely pathogenic.

Literature cited by the submitters: PubMed 27964749.